The following is an entry in ClinVar:

NM_003850.3(SUCLA2):c.534A>T (p.Gln178His)

Gene: SUCLA2 (succinate-CoA ligase ADP-forming subunit beta; minus strand). Cytogenetic location: 13q14.2.
Variant type: single nucleotide variant.
Coding change: c.534A>T on transcript NM_003850.3 (MANE Select); coding-DNA position 534, A replaced by T.
Protein change: p.Gln178His; replaces glutamine 178 with histidine.
Molecular consequence: missense variant.
Genome position (GRCh38, 1-based): chr13:47,988,541, T>A on the plus strand (A>T on the coding strand, the complement: SUCLA2 is on the minus strand). VCF-style: chr13-47988541-T-A. GRCh37 (hg19) VCF-style: chr13-48562676-T-A.
Other names: short protein forms Q178H.
Identifiers: ClinVar variation 1345528 (VCV001345528.6), dbSNP rs2137742910, ClinGen allele CA388150183.
Genomic context (GRCh38, chr13:47,988,541, plus strand): 5'-GACTTTTGAAATTGAATGTCATAAATTTATCCCGTATGTATCATGTCTACAATTACTCAC[T>A]TGAAATGACCTTTCCATTGTTATTGCAAAGTAGTATTCTCTCCTGGGATATTTTCGCTCA-3'
Protein context (NP_003841.1, residues 168-188): YFAITMERSF[Gln178His]GPVLIGSSHG

ClinVar aggregate classification (germline): Uncertain significance (1 of 4 stars; one submission).

Conditions:
Mitochondrial DNA depletion syndrome, encephalomyopathic form with methylmalonic aciduria (MTDPS5). Also called: MITOCHONDRIAL DNA DEPLETION SYNDROME, ENCEPHALOMYOPATHIC FORM, WITH OR WITHOUT METHYLMALONIC ACIDURIA, AUTOSOMAL RECESSIVE, SUCLA2-RELATED; Mitochondrial DNA depletion syndrome 5 (encephalomyopathic with or without methylmalonic aciduria); Mitochondrial encephalomyopathy aminoacidopathy; SUCLA2-Related Mitochondrial DNA Depletion Syndrome, Encephalomyopathic Form with Methylmalonic Aciduria. Identifiers: Orphanet 1933, MedGen C5980207, MONDO:0012791, OMIM 612073.

Submission:

Labcorp Genetics (formerly Invitae), Labcorp
Classification: Uncertain significance for Mitochondrial DNA depletion syndrome, encephalomyopathic form with methylmalonic aciduria. Last evaluated: 2021-08-11. Review status: criteria provided, single submitter. Criteria: Invitae Variant Classification Sherloc (09022015). Collection method: clinical testing. Allele origin: germline.
Comment: This sequence change replaces glutamine with histidine at codon 178 of the SUCLA2 protein (p.Gln178His). The glutamine residue is moderately conserved and there is a small physicochemical difference between glutamine and histidine. This variant is not present in population databases (ExAC no frequency). This variant has not been reported in the literature in individuals with SUCLA2-related conditions. Algorithms developed to predict the effect of missense changes on protein structure and function output the following: SIFT: "Tolerated"; PolyPhen-2: "Possibly Damaging"; Align-GVGD: "Class C0". The histidine amino acid residue is found in multiple mammalian species, suggesting that this missense change does not adversely affect protein function. These predictions have not been confirmed by published functional studies and their clinical significance is uncertain. In summary, the available evidence is currently insufficient to determine the role of this variant in disease. Therefore, it has been classified as a Variant of Uncertain Significance.